The following is an entry in ClinVar:

NM_001122630.2(CDKN1C):c.746A>G (p.Asn249Ser)

Gene: CDKN1C (cyclin dependent kinase inhibitor 1C; minus strand). Cytogenetic location: 11p15.4.
Variant type: single nucleotide variant.
Coding change: c.746A>G on transcript NM_001122630.2 (MANE Select); coding-DNA position 746, A replaced by G.
Protein change: p.Asn249Ser; replaces asparagine 249 with serine.
Molecular consequence: missense variant. On other transcripts: intron variant (1).
Genome position (GRCh38, 1-based): chr11:2,884,711, T>C on the plus strand (A>G on the coding strand, the complement: CDKN1C is on the minus strand). VCF-style: chr11-2884711-T-C. GRCh37 (hg19) VCF-style: chr11-2905941-T-C.
Other names: c.779A>G, p.Asn260Ser (NM_000076.2, NM_001362474.2); c.746A>G, p.Asn249Ser (NM_001122631.2); c.255+491A>G (NM_001362475.2); short protein forms N260S, N249S.
Identifiers: ClinVar variation 843068 (VCV000843068.12), dbSNP rs1282204263, ClinGen allele CA379145598.

ClinVar aggregate classification (germline): Uncertain significance. Review status: criteria provided, multiple submitters, no conflicts (2 of 4 stars). 4 submissions from 4 submitters: Uncertain significance (4). Last evaluated 2025-09-25.

Conditions:
Inborn genetic diseases. Identifiers: MedGen C0950123, MeSH D030342.
CDKN1C-related disorder. Also called: CDKN1C-related condition.
IMAGe syndrome. Also called: Intrauterine growth retardation, metaphyseal dysplasia, adrenal hypoplasia congenita, and genital anomalies; Intrauterine Growth Restriction, Metaphyseal Dysplasia, Adrenal Hypoplasia Congenita, and Genital Anomalies. Identifiers: Orphanet 85173, MedGen C1846009, MONDO:0013873, OMIM 614732.
Beckwith-Wiedemann syndrome (BWS). Also called: EMG SYNDROME; Exomphalos macroglossia gigantism syndrome. Identifiers: Orphanet 116, MedGen C0004903, MONDO:0007534, OMIM 130650.

Allele frequency attached by ClinVar (database versions not stated): gnomAD 0.00001; gnomAD exomes 0.00001; TOPMed 0.00002.

Submissions (4):

PreventionGenetics, part of Exact Sciences
Classification: Uncertain significance for CDKN1C-related condition. Last evaluated: 2025-09-25. Review status: criteria provided, single submitter. Criteria: ACMG Guidelines, 2015. Collection method: clinical testing. Allele origin: germline.
Comment: The CDKN1C c.779A>G variant is predicted to result in the amino acid substitution p.Asn260Ser. To our knowledge, this variant has not been reported in the literature. This variant is reported in 0.0042% of alleles in individuals of South Asian descent in gnomAD and is classified as a variant of uncertain significance in ClinVar (Variation ID: 843068). At this time, the clinical significance of this variant is uncertain due to the absence of conclusive functional and genetic evidence.

Ambry Genetics
Classification: Uncertain significance for Inborn genetic diseases. Last evaluated: 2025-03-30. Review status: criteria provided, single submitter. Criteria: Ambry Variant Classification Scheme 2023. Collection method: clinical testing. Allele origin: germline.

Fulgent Genetics
Classification: Uncertain significance for Beckwith-Wiedemann syndrome; IMAGe syndrome. Last evaluated: 2024-03-19. Review status: criteria provided, single submitter. Criteria: ACMG Guidelines, 2015. Collection method: clinical testing. Allele origin: germline.

Labcorp Genetics (formerly Invitae), Labcorp
Classification: Uncertain significance for Beckwith-Wiedemann syndrome. Last evaluated: 2023-09-30. Review status: criteria provided, single submitter. Criteria: Invitae Variant Classification Sherloc (09022015). Collection method: clinical testing. Allele origin: germline.
Comment: This variant is present in population databases (no rsID available, gnomAD 0.004%). This sequence change replaces asparagine, which is neutral and polar, with serine, which is neutral and polar, at codon 260 of the CDKN1C protein (p.Asn260Ser). This variant has not been reported in the literature in individuals affected with CDKN1C-related conditions. In summary, the available evidence is currently insufficient to determine the role of this variant in disease. Therefore, it has been classified as a Variant of Uncertain Significance. Advanced modeling of protein sequence and biophysical properties (such as structural, functional, and spatial information, amino acid conservation, physicochemical variation, residue mobility, and thermodynamic stability) performed at Invitae indicates that this missense variant is not expected to disrupt CDKN1C protein function. ClinVar contains an entry for this variant (Variation ID: 843068).